The following is an entry in ClinVar:

NM_015910.7(WDPCP):c.956A>G (p.Tyr319Cys)

Gene: WDPCP (WD repeat containing planar cell polarity effector; minus strand). Cytogenetic location: 2p15.
Variant type: single nucleotide variant.
Coding change: c.956A>G on transcript NM_015910.7 (MANE Select); coding-DNA position 956, A replaced by G.
Protein change: p.Tyr319Cys; replaces tyrosine 319 with cysteine.
Molecular consequence: missense variant. On other transcripts: non-coding transcript variant (3).
Genome position (GRCh38, 1-based): chr2:63,404,527, T>C on the plus strand (A>G on the coding strand, the complement: WDPCP is on the minus strand). VCF-style: chr2-63404527-T-C. GRCh37 (hg19) VCF-style: chr2-63631662-T-C.
Other names: c.479A>G, p.Tyr160Cys (NM_001042692.3); c.884A>G, p.Tyr295Cys (NM_001354044.2); c.956A>G, p.Tyr319Cys (NM_001354045.2); short protein forms Y160C, Y319C, Y295C.
Identifiers: ClinVar variation 4999612 (VCV004999612.1).

ClinVar aggregate classification (germline): Uncertain significance (1 of 4 stars; one submission).

Conditions:
WDPCP-related disorder. Also called: WDPCP-related condition.

gnomAD v4.1: 8 of 1,613,714 alleles (0.0005%); highest among the groups gnomAD compares: Non-Finnish European, 0.00068%; no homozygotes.

Submission:

PreventionGenetics, part of Exact Sciences
Classification: Uncertain significance for WDPCP-related condition. Last evaluated: 2025-12-19. Review status: criteria provided, single submitter. Criteria: ACMG Guidelines, 2015. Collection method: clinical testing. Allele origin: germline.
Comment: The WDPCP c.956A>G variant is predicted to result in the amino acid substitution p.Tyr319Cys. To our knowledge, this variant has not been reported in the literature or in a large population database (gnomAD), indicating this variant is rare. At this time, the clinical significance of this variant is uncertain due to the absence of conclusive functional and genetic evidence.